The following is an entry in ClinVar:

ClinVar aggregate classification (germline): Uncertain significance (1 of 4 stars; one submission).

Conditions:
Cardiovascular phenotype. Identifiers: MedGen CN230736.

Allele frequency attached by ClinVar (database versions not stated): TOPMed below 0.00001.

Submission:

Ambry Genetics
Classification: Uncertain significance for Cardiovascular phenotype. Last evaluated: 2019-10-02. Review status: criteria provided, single submitter. Criteria: Ambry Variant Classification Scheme 2023. Collection method: clinical testing. Allele origin: germline.
Comment: The p.C16590Y variant (also known as c.49769G>A), located in coding exon 153 of the TTN gene, results from a G to A substitution at nucleotide position 49769. The cysteine at codon 16590 is replaced by tyrosine, an amino acid with highly dissimilar properties. This amino acid position is highly conserved in available vertebrate species. In addition, the in silico prediction for this alteration is inconclusive. Since supporting evidence is limited at this time, the clinical significance of this alteration remains unclear.

NM_001267550.2(TTN):c.76964G>A (p.Cys25655Tyr)

Genes: TTN (titin; minus strand), TTN-AS1 (TTN antisense RNA 1; plus strand). Cytogenetic location: 2q31.2.
Variant type: single nucleotide variant.
Coding change: c.76964G>A on transcript NM_001267550.2 (MANE Select); coding-DNA position 76964, G replaced by A.
Protein change: p.Cys25655Tyr; replaces cysteine 25655 with tyrosine.
Molecular consequence: missense variant.
Genome position (GRCh38, 1-based): chr2:178,569,168, C>T on the plus strand (G>A on the coding strand, the complement: TTN is on the minus strand). VCF-style: chr2-178569168-C-T. GRCh37 (hg19) VCF-style: chr2-179433895-C-T.
Other names: c.72041G>A, p.Cys24014Tyr (NM_001256850.1); c.49769G>A, p.Cys16590Tyr (NM_003319.4); c.69260G>A, p.Cys23087Tyr (NM_133378.4); c.50144G>A, p.Cys16715Tyr (NM_133432.3); c.50345G>A, p.Cys16782Tyr (NM_133437.4); short protein forms C16590Y, C23087Y, C24014Y, C16782Y, C16715Y, C25655Y.
Identifiers: ClinVar variation 1744493 (VCV001744493.2), dbSNP rs1707195705, ClinGen allele CA349613147.